The following is an entry in ClinVar:

ClinVar aggregate classification (germline): Uncertain significance (1 of 4 stars; one submission).

Conditions:
Arrhythmogenic right ventricular dysplasia 9 (ARVD9). Also called: Arrhythmogenic Right Ventricular Dysplasia/Cardiomyopathy 9; ARRHYTHMOGENIC RIGHT VENTRICULAR DYSPLASIA, FAMILIAL, 9. Identifiers: MedGen C1836906, MONDO:0012180, OMIM 609040.

Submission:

Labcorp Genetics (formerly Invitae), Labcorp
Classification: Uncertain significance for Arrhythmogenic right ventricular dysplasia 9. Last evaluated: 2024-12-04. Review status: criteria provided, single submitter. Criteria: Invitae Variant Classification Sherloc (09022015). Collection method: clinical testing. Allele origin: germline.
Comment: This sequence change replaces arginine, which is basic and polar, with glutamine, which is neutral and polar, at codon 55 of the PKP2 protein (p.Arg55Gln). This variant is not present in population databases (gnomAD no frequency). This variant has not been reported in the literature in individuals affected with PKP2-related conditions. An algorithm developed to predict the effect of missense changes on protein structure and function (PolyPhen-2) suggests that this variant is likely to be disruptive. In summary, the available evidence is currently insufficient to determine the role of this variant in disease. Therefore, it has been classified as a Variant of Uncertain Significance.

NM_001005242.3(PKP2):c.164G>A (p.Arg55Gln)

Gene: PKP2 (plakophilin 2; minus strand). Cytogenetic location: 12p11.21.
Variant type: single nucleotide variant.
Coding change: c.164G>A on transcript NM_001005242.3 (MANE Select); coding-DNA position 164, G replaced by A.
Protein change: p.Arg55Gln; replaces arginine 55 with glutamine.
Molecular consequence: missense variant. On other transcripts: 5 prime UTR variant (4).
Genome position (GRCh38, 1-based): chr12:32,896,568, C>T on the plus strand (G>A on the coding strand, the complement: PKP2 is on the minus strand). VCF-style: chr12-32896568-C-T. GRCh37 (hg19) VCF-style: chr12-33049502-C-T.
Other names: c.164G>A, p.Arg55Gln (NM_001407155.1, NM_001407156.1, NM_001407157.1 and 2 more transcripts); c.-663G>A (NM_001407158.1, NM_001407162.1); c.-427G>A (NM_001407159.1, NM_001407160.1); short protein forms R55Q.
Identifiers: ClinVar variation 3717431 (VCV003717431.2).